The following is an entry in ClinVar:

NM_001103.4(ACTN2):c.2087A>G (p.Glu696Gly)

Gene: ACTN2 (actinin alpha 2; plus strand). Cytogenetic location: 1q43.
Variant type: single nucleotide variant.
Coding change: c.2087A>G on transcript NM_001103.4 (MANE Select); coding-DNA position 2087, A replaced by G.
Protein change: p.Glu696Gly; replaces glutamic acid 696 with glycine.
Molecular consequence: missense variant. On other transcripts: non-coding transcript variant (1).
Genome position (GRCh38, 1-based): chr1:236,755,131, A>G. VCF-style: chr1-236755131-A-G. GRCh37 (hg19) VCF-style: chr1-236918431-A-G.
Other names: c.2087A>G, p.Glu696Gly (NM_001278343.2); c.1463A>G, p.Glu488Gly (NM_001278344.2); c.1337A>G, p.Glu446Gly (NM_001412150.1); short protein forms E488G, E696G, E446G.
Identifiers: ClinVar variation 2562761 (VCV002562761.2), dbSNP rs1225795874, ClinGen allele CA345387635.

ClinVar aggregate classification (germline): Uncertain significance (1 of 4 stars; one submission).

Conditions:
Cardiovascular phenotype. Identifiers: MedGen CN230736.

Allele frequency attached by ClinVar (database versions not stated): TOPMed below 0.00001; gnomAD 0.00001.
gnomAD v4.1: 1 of 1,614,096 alleles (0.000062%); highest among the groups gnomAD compares: Non-Finnish European, 0.000085%; no homozygotes.

Submission:

Ambry Genetics
Classification: Uncertain significance for Cardiovascular phenotype. Last evaluated: 2023-03-26. Review status: criteria provided, single submitter. Criteria: Ambry Variant Classification Scheme 2023. Collection method: clinical testing. Allele origin: germline.
Comment: The p.E696G variant (also known as c.2087A>G), located in coding exon 17 of the ACTN2 gene, results from an A to G substitution at nucleotide position 2087. The glutamic acid at codon 696 is replaced by glycine, an amino acid with similar properties. This amino acid position is conserved. In addition, the in silico prediction for this alteration is inconclusive. Since supporting evidence is limited at this time, the clinical significance of this alteration remains unclear.